The following is an entry in ClinVar:

ClinVar aggregate classification (germline): Likely benign. Review status: criteria provided, multiple submitters, no conflicts (2 of 4 stars). 4 submissions from 4 submitters: Likely benign (4). Last evaluated 2026-08-23.

Conditions:
SZT2-related disorder. Also called: SZT2-related condition.
Developmental and epileptic encephalopathy, 18 (DEE18). Also called: Early infantile epileptic encephalopathy 18. Identifiers: Orphanet 369894, MedGen C3809624, MONDO:0014201, OMIM 615476.

Allele frequency attached by ClinVar (database versions not stated): gnomAD 0.00001; gnomAD exomes 0.00001 and 0.00002; ExAC 0.00002; TOPMed 0.00002; ESP Exome Variant Server 0.00015.
gnomAD v4.1: 9 of 1,613,756 alleles (0.00056%); highest among the groups gnomAD compares: Non-Finnish European, 0.00068%; no homozygotes.

Submissions (4):

PreventionGenetics, part of Exact Sciences
Classification: Likely benign for SZT2-related condition. Last evaluated: 2026-08-23. Review status: criteria provided, single submitter. Criteria: ACMG Guidelines, 2015. Collection method: clinical testing. Allele origin: germline.
Comment: This variant is classified as likely benign based on ACMG/AMP sequence variant interpretation guidelines (Richards et al. 2015 PMID: 25741868, with internal and published modifications).

Genome-Nilou Lab
Classification: Likely benign for Developmental and epileptic encephalopathy, 18. Last evaluated: 2023-04-11. Review status: criteria provided, single submitter. Criteria: ACMG Guidelines, 2015. Collection method: clinical testing. Allele origin: germline. Affected: no.

Labcorp Genetics (formerly Invitae), Labcorp
Classification: Likely benign. Last evaluated: 2022-08-09. Review status: criteria provided, single submitter. Criteria: Invitae Variant Classification Sherloc (09022015). Collection method: clinical testing. Allele origin: germline.

GeneDx
Classification: Likely benign. Last evaluated: 2020-10-26. Review status: criteria provided, single submitter. Criteria: GeneDx Variant Classification Process June 2021. Collection method: clinical testing. Allele origin: germline. Affected: yes.

NM_001365999.1(SZT2):c.6816C>T (p.Gly2272=)

Gene: SZT2 (SZT2 subunit of KICSTOR complex; plus strand). Cytogenetic location: 1p34.2.
Variant type: single nucleotide variant.
Coding change: c.6816C>T on transcript NM_001365999.1 (MANE Select); coding-DNA position 6816, C replaced by T.
Protein change: p.Gly2272=; no amino-acid change (glycine 2272 retained).
Molecular consequence: synonymous variant.
Genome position (GRCh38, 1-based): chr1:43,439,381, C>T. VCF-style: chr1-43439381-C-T. GRCh37 (hg19) VCF-style: chr1-43905052-C-T.
Other names: c.6645C>T, p.Gly2215= (NM_015284.4).
Identifiers: ClinVar variation 1208220 (VCV001208220.10), dbSNP rs150870098, ClinGen allele CA810030.